The following is an entry in ClinVar:

NM_002185.5(IL7R):c.561G>A (p.Lys187=)

Gene: IL7R (interleukin 7 receptor; plus strand). Cytogenetic location: 5p13.2.
Variant type: single nucleotide variant.
Coding change: c.561G>A on transcript NM_002185.5 (MANE Select); coding-DNA position 561, G replaced by A.
Protein change: p.Lys187=; no amino-acid change (lysine 187 retained).
Molecular consequence: synonymous variant.
Genome position (GRCh38, 1-based): chr5:35,873,503, G>A. VCF-style: chr5-35873503-G-A. GRCh37 (hg19) VCF-style: chr5-35873605-G-A.
Other names: p.K187K:AAG>AAA; p.Lys187=; c.561G>A (LRG_74t1).
Identifiers: ClinVar variation 137587 (VCV000137587.18), dbSNP rs11567764, ClinGen allele CA291245.

ClinVar aggregate classification (germline): Benign/Likely benign. Review status: criteria provided, multiple submitters, no conflicts (2 of 4 stars). 6 submissions from 6 submitters: Benign (3); Likely benign (2). 1 of the submissions does not count toward it. Last evaluated 2026-02-03.

Conditions:
IL7R-related disorder. Also called: IL7R-related condition.
Immunodeficiency 104. Also called: IMMUNODEFICIENCY 104, SEVERE COMBINED; Severe combined immunodeficiency, autosomal recessive, T cell-negative, B cell-positive, NK cell-positive; SCID, AUTOSOMAL RECESSIVE, T CELL-NEGATIVE, B CELL-POSITIVE, NK CELL-POSITIVE; Severe Combined Immune Deficiency, Autosomal Recessive, TCell -Negative, B Cell-Positive, NK Cell-Positive, IL7R-Related. Identifiers: MedGen C5676890, MONDO:0012163, OMIM 608971.

Allele frequency attached by ClinVar (database versions not stated): gnomAD exomes 0.00358 and 0.00953; gnomAD 0.03877; TOPMed 0.04161; ESP Exome Variant Server 0.04283; 1000 Genomes Project 0.04812; 1000 Genomes Project 30x 0.05044.
gnomAD v4.1: 11,045 of 1,613,958 alleles (0.68%); highest among the groups gnomAD compares: African/African-American, 13%; 649 homozygotes.

Submissions (6):

Labcorp Genetics (formerly Invitae), Labcorp
Classification: Benign for Immunodeficiency 104. Last evaluated: 2026-02-03. Review status: criteria provided, single submitter. Criteria: Invitae Variant Classification Sherloc (09022015). Collection method: clinical testing. Allele origin: germline.

Mayo Clinic Laboratories, Mayo Clinic
Classification: Benign. Last evaluated: 2022-05-13. Review status: criteria provided, single submitter. Criteria: ACMG Guidelines, 2015. Collection method: clinical testing. Allele origin: germline. Observed: 6 variant alleles.

Illumina Laboratory Services, Illumina
Classification: Likely benign for Immunodeficiency 104. Last evaluated: 2017-04-27. Review status: criteria provided, single submitter. Criteria: ICSL Variant Classification Criteria 13 December 2019. Collection method: clinical testing. Allele origin: germline.
Comment: This variant was observed as part of a predisposition screen in an ostensibly healthy population. A literature search was performed for the gene, cDNA change, and amino acid change (where applicable). No publications were found based on this search. Allele frequency data from public databases allowed determination this variant is unlikely to cause disease. Therefore, this variant is classified as likely benign.

GeneDx
Classification: Benign. Last evaluated: 2013-02-14. Review status: criteria provided, single submitter. Criteria: GeneDx Variant Classification (06012015). Collection method: clinical testing. Allele origin: germline. Affected: yes.
Comment: This variant is considered likely benign or benign based on one or more of the following criteria: it is a conservative change, it occurs at a poorly conserved position in the protein, it is predicted to be benign by multiple in silico algorithms, and/or has population frequency not consistent with disease.

Breakthrough Genomics
Classification: Likely benign. Review status: criteria provided, single submitter. Criteria: ACMG Guidelines, 2015. Collection method: not provided. Allele origin: germline. Inheritance: Autosomal recessive inheritance. Affected: yes.

PreventionGenetics, part of Exact Sciences
Classification: Benign for IL7R-related condition. Last evaluated: 2019-07-01. Review status: no assertion criteria provided. Collection method: clinical testing. Allele origin: germline. Not counted in ClinVar's aggregate classification.
Comment: This variant is classified as benign based on ACMG/AMP sequence variant interpretation guidelines (Richards et al. 2015 PMID: 25741868, with internal and published modifications).